The following is an entry in ClinVar:

ClinVar aggregate classification (germline): Uncertain significance. Review status: criteria provided, multiple submitters, no conflicts (2 of 4 stars). 3 submissions from 3 submitters: Uncertain significance (3). Last evaluated 2025-09-15.

Conditions:
Hereditary cancer-predisposing syndrome. Also called: Hereditary neoplastic syndrome; Tumor predisposition; Hereditary Cancer Syndrome; Neoplastic Syndromes, Hereditary. Identifiers: Orphanet 140162, MedGen C0027672, MeSH D009386, MONDO:0015356.

Allele frequency attached by ClinVar (database versions not stated): gnomAD exomes below 0.00001; TOPMed 0.00001; ESP Exome Variant Server 0.00015.
gnomAD v4.1: 5 of 1,613,980 alleles (0.00031%); highest among the groups gnomAD compares: Non-Finnish European, 0.00042%; no homozygotes.

Submissions (3):

Labcorp Genetics (formerly Invitae), Labcorp
Classification: Uncertain significance. Last evaluated: 2025-09-15. Review status: criteria provided, single submitter. Criteria: Invitae Variant Classification Sherloc (09022015). Collection method: clinical testing. Allele origin: germline.
Comment: This sequence change replaces glutamic acid, which is acidic and polar, with aspartic acid, which is acidic and polar, at codon 848 of the POLE protein (p.Glu848Asp). This variant is not present in population databases (gnomAD no frequency). This variant has not been reported in the literature in individuals affected with POLE-related conditions. ClinVar contains an entry for this variant (Variation ID: 405869). Invitae Evidence Modeling of protein sequence and biophysical properties (such as structural, functional, and spatial information, amino acid conservation, physicochemical variation, residue mobility, and thermodynamic stability) has been performed for this missense variant. However, the output from this modeling did not meet the statistical confidence thresholds required to predict the impact of this variant on POLE protein function. In summary, the available evidence is currently insufficient to determine the role of this variant in disease. Therefore, it has been classified as a Variant of Uncertain Significance.

Ambry Genetics
Classification: Uncertain significance for Hereditary cancer-predisposing syndrome. Last evaluated: 2025-08-20. Review status: criteria provided, single submitter. Criteria: Ambry Variant Classification Scheme 2023. Collection method: clinical testing. Allele origin: germline.
Comment: The p.E848D variant (also known as c.2544G>C), located in coding exon 22 of the POLE gene, results from a G to C substitution at nucleotide position 2544. The glutamic acid at codon 848 is replaced by aspartic acid, an amino acid with highly similar properties. This amino acid position is conserved. In addition, the in silico prediction for this alteration is inconclusive. Since supporting evidence is limited at this time, the clinical significance of this alteration remains unclear.

GeneDx
Classification: Uncertain significance. Last evaluated: 2024-09-30. Review status: criteria provided, single submitter. Criteria: GeneDx Variant Classification Process June 2021. Collection method: clinical testing. Allele origin: germline.
Comment: Not observed at significant frequency in large population cohorts (gnomAD); In silico analysis supports that this missense variant has a deleterious effect on protein structure/function; Has not been previously published as pathogenic or benign to our knowledge; This variant is associated with the following publications: (PMID: 20951805)

NM_006231.4(POLE):c.2544G>C (p.Glu848Asp)

Gene: POLE (DNA polymerase epsilon, catalytic subunit; minus strand). Cytogenetic location: 12q24.33.
Variant type: single nucleotide variant.
Coding change: c.2544G>C on transcript NM_006231.4 (MANE Select); coding-DNA position 2544, G replaced by C.
Protein change: p.Glu848Asp; replaces glutamic acid 848 with aspartic acid.
Molecular consequence: missense variant.
Genome position (GRCh38, 1-based): chr12:132,664,387, C>G on the plus strand (G>C on the coding strand, the complement: POLE is on the minus strand). VCF-style: chr12-132664387-C-G. GRCh37 (hg19) VCF-style: chr12-133240973-C-G.
Other names: short protein forms E848D.
Identifiers: ClinVar variation 405869 (VCV000405869.13), dbSNP rs374905660, ClinGen allele CA16613910.